The following is an entry in ClinVar:

NM_000548.5(TSC2):c.3243A>G (p.Leu1081=)

Gene: TSC2 (TSC complex subunit 2; plus strand). Cytogenetic location: 16p13.3.
Variant type: single nucleotide variant.
Coding change: c.3243A>G on transcript NM_000548.5 (MANE Select); coding-DNA position 3243, A replaced by G.
Protein change: p.Leu1081=; no amino-acid change (leucine 1081 retained).
Molecular consequence: synonymous variant.
Genome position (GRCh38, 1-based): chr16:2,079,387, A>G. VCF-style: chr16-2079387-A-G. GRCh37 (hg19) VCF-style: chr16-2129388-A-G.
Other names: c.3111A>G, p.Leu1037= (NM_001077183.3, NM_001370404.1); c.3243A>G, p.Leu1081= (NM_001114382.3); c.3003A>G, p.Leu1001= (NM_001318827.2); c.2967A>G, p.Leu989= (NM_001318829.2); c.2511A>G, p.Leu837= (NM_001318831.2); c.3144A>G, p.Leu1048= (NM_001318832.2); c.3114A>G, p.Leu1038= (NM_001363528.2, NM_001370405.1, NM_021055.3).
Identifiers: ClinVar variation 706602 (VCV000706602.13), dbSNP rs1156745816, ClinGen allele CA493042936.

ClinVar aggregate classification (germline): Conflicting classifications of pathogenicity. Review status: criteria provided, conflicting classifications (1 of 4 stars). 4 submissions from 4 submitters: Uncertain significance (1); Likely benign (3). Last evaluated 2024-04-16.

Conditions:
Tuberous sclerosis 2 (TSC2). Identifiers: Orphanet 805, MedGen C1860707, MONDO:0013199, OMIM 613254.
Hereditary cancer-predisposing syndrome. Also called: Tumor predisposition; Hereditary neoplastic syndrome; Neoplastic Syndromes, Hereditary; Hereditary Cancer Syndrome. Identifiers: Orphanet 140162, MedGen C0027672, MeSH D009386, MONDO:0015356.
Tuberous sclerosis syndrome (TSC). Also called: Tuberous Sclerosis Complex; Tuberous sclerosis. Identifiers: Orphanet 805, MedGen C0041341, MONDO:0001734.

Allele frequency attached by ClinVar (database versions not stated): gnomAD exomes below 0.00001.

Submissions (4):

All of Us Research Program, National Institutes of Health
Classification: Likely benign for Tuberous sclerosis syndrome. Last evaluated: 2024-04-16. Review status: criteria provided, single submitter. Criteria: ACMG Guidelines, 2015. Collection method: clinical testing. Allele origin: germline. Inheritance: Autosomal dominant inheritance. Observed: 1 variant allele, 1 heterozygote.
Comment: This study involves interpretation of variants in research participants for the purpose of population health screening. Participant phenotype was not available at the time of variant classification. Additional details can be found in publication PMID: 35346344, PMCID: PMC8962531

Quest Diagnostics Nichols Institute San Juan Capistrano
Classification: Uncertain significance. Last evaluated: 2024-01-11. Review status: criteria provided, single submitter. Criteria: Quest Diagnostics criteria. Collection method: clinical testing. Allele origin: unknown.

Labcorp Genetics (formerly Invitae), Labcorp
Classification: Likely benign for Tuberous sclerosis 2. Last evaluated: 2023-11-02. Review status: criteria provided, single submitter. Criteria: Invitae Variant Classification Sherloc (09022015). Collection method: clinical testing. Allele origin: germline.

Ambry Genetics
Classification: Likely benign for Hereditary cancer-predisposing syndrome. Last evaluated: 2023-05-14. Review status: criteria provided, single submitter. Criteria: Ambry Variant Classification Scheme 2023. Collection method: clinical testing. Allele origin: germline.